The following is an entry in ClinVar:

NM_021913.5(AXL):c.2077C>T (p.Leu693Phe)

Gene: AXL (AXL receptor tyrosine kinase; plus strand). Cytogenetic location: 19q13.2.
Variant type: single nucleotide variant.
Coding change: c.2077C>T on transcript NM_021913.5 (MANE Select); coding-DNA position 2077, C replaced by T.
Protein change: p.Leu693Phe; replaces leucine 693 with phenylalanine.
Molecular consequence: missense variant.
Genome position (GRCh38, 1-based): chr19:41,256,492, C>T. VCF-style: chr19-41256492-C-T. GRCh37 (hg19) VCF-style: chr19-41762397-C-T.
Other names: c.1273C>T, p.Leu425Phe (NM_001278599.2); c.2050C>T, p.Leu684Phe (NM_001699.6); short protein forms L425F, L684F, L693F.
Identifiers: ClinVar variation 1933205 (VCV001933205.5), dbSNP rs1437243319, ClinGen allele CA405999541.

ClinVar aggregate classification (germline): Uncertain significance (1 of 4 stars; one submission).

gnomAD v4.1: 2 of 1,614,084 alleles (0.00012%); highest among the groups gnomAD compares: Non-Finnish European, 0.00017%; no homozygotes.

Submission:

Labcorp Genetics (formerly Invitae), Labcorp
Classification: Uncertain significance. Last evaluated: 2024-12-09. Review status: criteria provided, single submitter. Criteria: Invitae Variant Classification Sherloc (09022015). Collection method: clinical testing. Allele origin: germline.
Comment: This sequence change replaces leucine, which is neutral and non-polar, with phenylalanine, which is neutral and non-polar, at codon 693 of the AXL protein (p.Leu693Phe). This variant is not present in population databases (gnomAD no frequency). This variant has not been reported in the literature in individuals affected with AXL-related conditions. ClinVar contains an entry for this variant (Variation ID: 1933205). Invitae Evidence Modeling of protein sequence and biophysical properties (such as structural, functional, and spatial information, amino acid conservation, physicochemical variation, residue mobility, and thermodynamic stability) indicates that this missense variant is expected to disrupt AXL protein function with a positive predictive value of 80%. In summary, the available evidence is currently insufficient to determine the role of this variant in disease. Therefore, it has been classified as a Variant of Uncertain Significance.